The following is an entry in ClinVar:

NM_172364.5(CACNA2D4):c.496T>G (p.Tyr166Asp)

Gene: CACNA2D4 (calcium voltage-gated channel auxiliary subunit alpha2delta 4; minus strand). Cytogenetic location: 12p13.33.
Variant type: single nucleotide variant.
Coding change: c.496T>G on transcript NM_172364.5 (MANE Select); coding-DNA position 496, T replaced by G.
Protein change: p.Tyr166Asp; replaces tyrosine 166 with aspartic acid.
Molecular consequence: missense variant.
Genome position (GRCh38, 1-based): chr12:1,908,028, A>C on the plus strand (T>G on the coding strand, the complement: CACNA2D4 is on the minus strand). VCF-style: chr12-1908028-A-C. GRCh37 (hg19) VCF-style: chr12-2017194-A-C.
Other names: short protein forms Y166D.
Identifiers: ClinVar variation 839139 (VCV000839139.10), dbSNP rs200408171, ClinGen allele CA6387494.

ClinVar aggregate classification (germline): Uncertain significance. Review status: criteria provided, multiple submitters, no conflicts (2 of 4 stars). 2 submissions from 2 submitters: Uncertain significance (2). Last evaluated 2025-04-26.

Allele frequency attached by ClinVar (database versions not stated): gnomAD 0.00001; gnomAD exomes 0.00002; TOPMed 0.00002; ExAC 0.00003; ESP Exome Variant Server 0.00008.
gnomAD v4.1: 12 of 1,612,476 alleles (0.00074%); highest among the groups gnomAD compares: Non-Finnish European, 0.001%; no homozygotes.

Submissions (2):

Labcorp Genetics (formerly Invitae), Labcorp
Classification: Uncertain significance. Last evaluated: 2025-04-26. Review status: criteria provided, single submitter. Criteria: Invitae Variant Classification Sherloc (09022015). Collection method: clinical testing. Allele origin: germline.
Comment: This sequence change replaces tyrosine, which is neutral and polar, with aspartic acid, which is acidic and polar, at codon 166 of the CACNA2D4 protein (p.Tyr166Asp). This variant is present in population databases (rs200408171, gnomAD 0.003%). This variant has not been reported in the literature in individuals affected with CACNA2D4-related conditions. ClinVar contains an entry for this variant (Variation ID: 839139). An algorithm developed to predict the effect of missense changes on protein structure and function (PolyPhen-2) suggests that this variant is likely to be tolerated. In summary, the available evidence is currently insufficient to determine the role of this variant in disease. Therefore, it has been classified as a Variant of Uncertain Significance.

Blueprint Genetics
Classification: Uncertain significance. Last evaluated: 2024-06-03. Review status: criteria provided, single submitter. Criteria: ACMG Guidelines, 2015. Collection method: clinical testing. Allele origin: germline.